The following is an entry in ClinVar:

ClinVar aggregate classification (germline): Conflicting classifications of pathogenicity. Review status: criteria provided, conflicting classifications (1 of 4 stars). 6 submissions from 6 submitters: Uncertain significance (1); Likely benign (4). 1 of the submissions does not count toward it. Last evaluated 2026-01-28.

Conditions:
OTOF-related disorder. Also called: OTOF-related condition.
Autosomal recessive nonsyndromic hearing loss 9. Also called: NEUROSENSORY NONSYNDROMIC RECESSIVE DEAFNESS 9; Deafness, autosomal recessive 9; OTOF-Related Hearing Loss; AUDITORY NEUROPATHY, AUTOSOMAL RECESSIVE, 1, TEMPERATURE-SENSITIVE. Identifiers: Orphanet 90636, MedGen C1832828, MONDO:0010986, OMIM 601071.

Allele frequency attached by ClinVar (database versions not stated): gnomAD exomes 0.00011 and 0.00016; gnomAD 0.00018 and 0.00019; TOPMed 0.00019; ExAC 0.00022; 1000 Genomes Project 30x 0.00031; 1000 Genomes Project 0.00040.
gnomAD v4.1: 225 of 1,613,852 alleles (0.014%); highest among the groups gnomAD compares: East Asian, 0.25%; no homozygotes.

Submissions (6):

Labcorp Genetics (formerly Invitae), Labcorp
Classification: Likely benign. Last evaluated: 2026-01-28. Review status: criteria provided, single submitter. Criteria: Invitae Variant Classification Sherloc (09022015). Collection method: clinical testing. Allele origin: germline.

CeGaT Center for Human Genetics Tuebingen
Classification: Likely benign. Last evaluated: 2025-12-01. Review status: criteria provided, single submitter. Criteria: CeGaT Center For Human Genetics Tuebingen Variant Classification Criteria Version 2. Collection method: clinical testing. Allele origin: germline. Affected: yes. Observed: 1 variant allele.
Comment: OTOF: BP4, BP7

Blueprint Genetics
Classification: Likely benign. Last evaluated: 2024-09-23. Review status: criteria provided, single submitter. Criteria: ACMG Guidelines, 2015. Collection method: clinical testing. Allele origin: germline.

Illumina Laboratory Services, Illumina
Classification: Uncertain significance for Autosomal recessive nonsyndromic hearing loss 9. Last evaluated: 2017-04-27. Review status: criteria provided, single submitter. Criteria: ICSL Variant Classification Criteria 13 December 2019. Collection method: clinical testing. Allele origin: germline.
Comment: This variant was observed as part of a predisposition screen in an ostensibly healthy population. A literature search was performed for the gene, cDNA change, and amino acid change (where applicable). Publications were found based on this search. However, the evidence from the literature, in combination with allele frequency data from public databases where available, was not sufficient to rule this variant in or out of causing disease. Therefore, this variant is classified as a variant of unknown significance.

Laboratory for Molecular Medicine, Mass General Brigham Personalized Medicine
Classification: Likely benign. Last evaluated: 2016-10-06. Review status: criteria provided, single submitter. Criteria: LMM Criteria. Collection method: clinical testing. Allele origin: germline. Observed: 2 variant alleles.
Comment: p.Pro1697Pro in exon 40 of OTOF: This variant is not expected to have clinical s ignificance because it does not alter an amino acid residue and is not located n ear a splice junction. It has been identified in 0.2% (20/8614) of East Asian c hromosomes by the Exome Aggregation Consortium (ExAC .org; dbSNP rs373568741).

PreventionGenetics, part of Exact Sciences
Classification: Likely benign for OTOF-related condition. Last evaluated: 2019-08-07. Review status: no assertion criteria provided. Collection method: clinical testing. Allele origin: germline. Not counted in ClinVar's aggregate classification.
Comment: This variant is classified as likely benign based on ACMG/AMP sequence variant interpretation guidelines (Richards et al. 2015 PMID: 25741868, with internal and published modifications).

Literature cited by the submitters: PubMed 22906306 (cited by Illumina Laboratory Services, Illumina); PubMed 22575033 (cited by Illumina Laboratory Services, Illumina).

NM_194248.3(OTOF):c.5091G>A (p.Pro1697=)

Genes: OTOF (otoferlin; minus strand), LOC112840921 (BRD4-independent group 4 enhancer GRCh37_chr2:26685720-26686919; plus strand). Cytogenetic location: 2p23.3.
Variant type: single nucleotide variant.
Coding change: c.5091G>A on transcript NM_194248.3 (MANE Select); coding-DNA position 5091, G replaced by A.
Protein change: p.Pro1697=; no amino-acid change (proline 1697 retained).
Molecular consequence: synonymous variant.
Genome position (GRCh38, 1-based): chr2:26,463,976, C>T on the plus strand (G>A on the coding strand, the complement: OTOF is on the minus strand). VCF-style: chr2-26463976-C-T. GRCh37 (hg19) VCF-style: chr2-26686844-C-T.
Other names: c.5091G>A, p.Pro1697= (NM_001287489.2); c.2790G>A, p.Pro930= (NM_004802.4, NM_194323.3); c.3021G>A, p.Pro1007= (NM_194322.3).
Identifiers: ClinVar variation 48251 (VCV000048251.24), dbSNP rs373568741, ClinGen allele CA142921.
Genomic context (GRCh38, chr2:26,463,976, plus strand): 5'-CTGGTCCCCAATACCCAAGAACCCCAGTCTTGGCCATGCAAGTGTCACCTGCTCGATGCC[C>T]GGCTTGTCGGGGTTGAGCAGCGGCCTCGTCTCCACATGCTCTGGCACCAGGCGGCAGCCT-3'
Protein context (NP_919224.1, residues 1687-1707): ETRPLLNPDK[Pro1697=]GIEQGRLELW